The following is an entry in ClinVar:

ClinVar aggregate classification (germline): Uncertain significance. Review status: criteria provided, multiple submitters, no conflicts (2 of 4 stars). 3 submissions from 3 submitters: Uncertain significance (3). Last evaluated 2025-11-24.

Conditions:
Bardet-Biedl syndrome (BBS). Identifiers: Orphanet 110, MedGen C0752166, MONDO:0015229.
BBS12-related disorder. Also called: BBS12-related condition.
Inborn genetic diseases. Identifiers: MedGen C0950123, MeSH D030342.

Allele frequency attached by ClinVar (database versions not stated): gnomAD 0.00001; TOPMed 0.00001.
gnomAD v4.1: 55 of 1,613,974 alleles (0.0034%); highest among the groups gnomAD compares: Non-Finnish European, 0.0046%; no homozygotes.

Submissions (3):

PreventionGenetics, part of Exact Sciences
Classification: Uncertain significance for BBS12-related condition. Last evaluated: 2025-11-24. Review status: criteria provided, single submitter. Criteria: ACMG Guidelines, 2015. Collection method: clinical testing. Allele origin: germline.
Comment: The BBS12 c.165G>C variant is predicted to result in the amino acid substitution p.Arg55Ser. To our knowledge, this variant has not been reported in the literature. This variant is reported in 0.0029% of alleles in individuals of Latino descent in gnomAD. At this time, the clinical significance of this variant is uncertain due to the absence of conclusive functional and genetic evidence.

Ambry Genetics
Classification: Uncertain significance for Inborn genetic diseases. Last evaluated: 2025-10-14. Review status: criteria provided, single submitter. Criteria: Ambry Variant Classification Scheme 2023. Collection method: clinical testing. Allele origin: germline.

Labcorp Genetics (formerly Invitae), Labcorp
Classification: Uncertain significance for Bardet-Biedl syndrome. Last evaluated: 2021-09-01. Review status: criteria provided, single submitter. Criteria: Invitae Variant Classification Sherloc (09022015). Collection method: clinical testing. Allele origin: germline.
Comment: This sequence change replaces arginine with serine at codon 55 of the BBS12 protein (p.Arg55Ser). The arginine residue is moderately conserved and there is a moderate physicochemical difference between arginine and serine. This variant is not present in population databases (ExAC no frequency). This variant has not been reported in the literature in individuals affected with BBS12-related conditions. Algorithms developed to predict the effect of missense changes on protein structure and function are either unavailable or do not agree on the potential impact of this missense change (SIFT: "Deleterious"; PolyPhen-2: "Probably Damaging"; Align-GVGD: "Class C0"). In summary, the available evidence is currently insufficient to determine the role of this variant in disease. Therefore, it has been classified as a Variant of Uncertain Significance.

NM_152618.3(BBS12):c.165G>C (p.Arg55Ser)

Gene: BBS12 (Bardet-Biedl syndrome 12; plus strand). Cytogenetic location: 4q27.
Variant type: single nucleotide variant.
Coding change: c.165G>C on transcript NM_152618.3 (MANE Select); coding-DNA position 165, G replaced by C.
Protein change: p.Arg55Ser; replaces arginine 55 with serine.
Molecular consequence: missense variant.
Genome position (GRCh38, 1-based): chr4:122,742,057, G>C. VCF-style: chr4-122742057-G-C. GRCh37 (hg19) VCF-style: chr4-123663212-G-C.
Other names: c.165G>C (NM_152618.2); c.165G>C, p.Arg55Ser (NM_001178007.2); short protein forms R55S.
Identifiers: ClinVar variation 2191597 (VCV002191597.6), dbSNP rs1160982211, ClinGen allele CA358222328.